The following is an entry in ClinVar:

ClinVar aggregate classification (germline): Likely benign (0 of 4 stars; one submission).

Conditions:
ADGRG1-related disorder. Also called: ADGRG1-related condition.

Submission:

PreventionGenetics, part of Exact Sciences
Classification: Likely benign for ADGRG1-related condition. Last evaluated: 2024-08-09. Review status: no assertion criteria provided. Collection method: clinical testing. Allele origin: germline.
Comment: This variant is classified as likely benign based on ACMG/AMP sequence variant interpretation guidelines (Richards et al. 2015 PMID: 25741868, with internal and published modifications).

NM_201525.4(ADGRG1):c.488-10C>T

Gene: ADGRG1 (adhesion G protein-coupled receptor G1; plus strand). Cytogenetic location: 16q21.
Variant type: single nucleotide variant.
Coding change: c.488-10C>T on transcript NM_201525.4 (MANE Select); 10 bases into the intron before coding-DNA position 488, C replaced by T.
Molecular consequence: intron variant.
Genome position (GRCh38, 1-based): chr16:57,653,193, C>T. VCF-style: chr16-57653193-C-T. GRCh37 (hg19) VCF-style: chr16-57687105-C-T.
Other names: c.488-10C>T (NM_001370440.1, NM_001370428.1, NM_001370436.1 and 16 more transcripts); c.111-793C>T (NM_001290142.2); c.-38-10C>T (NM_001370451.1, NM_001290143.2, NM_001370453.1 and 2 more transcripts); c.332-10C>T (NM_001370442.1); c.503-10C>T (NM_001370433.1, NM_001145773.3).
Identifiers: ClinVar variation 3345333 (VCV003345333.1).
Genomic context (GRCh38, chr16:57,653,193, plus strand): 5'-GGGGCAGAATGGGAGGGTCCTGGGACCTGAATCGGCAGCCTCGGCGGGGGCCTGTCCACC[C>T]CTCCCCCAGGTCCTCCCCACACGGCCGCTCACAATGCCTCGGTGGACATGTGCGAGCTCA-3'